The following is an entry in ClinVar:

NM_181703.4(GJA5):c.167C>T (p.Thr56Met)

Gene: GJA5 (gap junction protein alpha 5; minus strand). Cytogenetic location: 1q21.2.
Variant type: single nucleotide variant.
Coding change: c.167C>T on transcript NM_181703.4 (MANE Select); coding-DNA position 167, C replaced by T.
Protein change: p.Thr56Met; replaces threonine 56 with methionine.
Molecular consequence: missense variant.
Genome position (GRCh38, 1-based): chr1:147,759,072, G>A on the plus strand (C>T on the coding strand, the complement: GJA5 is on the minus strand). VCF-style: chr1-147759072-G-A. GRCh37 (hg19) VCF-style: chr1-147231180-G-A.
Other names: c.167C>T, p.Thr56Met (NM_005266.7); short protein forms T56M.
Identifiers: ClinVar variation 4783076 (VCV004783076.1).
Genomic context (GRCh38, chr1:147,759,072, plus strand): 5'-CGAATGTGGGAGATGGGGAAAGCCTGGTCGTAGCAGACATTCTGGCAGCCAGGCTGAATC[G>A]TATCACACCGGAAATCAGCCTGCTCATCCCCCCAGGAAGACTCAGCAGCTGTGCCCAGCA-3'
Protein context (NP_859054.1, residues 46-66): GDEQADFRCD[Thr56Met]IQPGCQNVCY

ClinVar aggregate classification (germline): Uncertain significance (1 of 4 stars; one submission).

Conditions:
Atrial standstill 1 (ATRST1). Also called: ATRIAL CARDIOMYOPATHY WITH HEART BLOCK; CARDIOMYOPATHY, FAMILIAL, WITH CONDUCTION DISTURBANCE; Atrial standstill, digenic (GJA5/SCN5A). Identifiers: Orphanet 1344, MedGen C4551959, MONDO:0007171, OMIM 108770.
Atrial fibrillation, familial, 11 (ATFB11). Identifiers: MedGen C3279693, MONDO:0013544, OMIM 614049.

Submission:

Labcorp Genetics (formerly Invitae), Labcorp
Classification: Uncertain significance for Atrial fibrillation, familial, 11; Atrial standstill 1. Last evaluated: 2025-09-09. Review status: criteria provided, single submitter. Criteria: Invitae Variant Classification Sherloc (09022015). Collection method: clinical testing. Allele origin: germline.
Comment: This sequence change replaces threonine, which is neutral and polar, with methionine, which is neutral and non-polar, at codon 56 of the GJA5 protein (p.Thr56Met). This variant is not present in population databases (gnomAD no frequency). This variant has not been reported in the literature in individuals affected with GJA5-related conditions. Invitae Evidence Modeling of protein sequence and biophysical properties (such as structural, functional, and spatial information, amino acid conservation, physicochemical variation, residue mobility, and thermodynamic stability) indicates that this missense variant is expected to disrupt GJA5 protein function with a positive predictive value of 80%. In summary, the available evidence is currently insufficient to determine the role of this variant in disease. Therefore, it has been classified as a Variant of Uncertain Significance.